The following is an entry in ClinVar:

ClinVar aggregate classification (germline): Conflicting classifications of pathogenicity. Review status: criteria provided, conflicting classifications (1 of 4 stars). 5 submissions from 5 submitters: Uncertain significance (1); Benign (1); Likely benign (3). Last evaluated 2026-07-23.

Conditions:
Intellectual disability, autosomal dominant 16 (CSS4). Also called: COFFIN-SIRIS SYNDROME 4. Identifiers: Orphanet 1465, MedGen C3553249, MONDO:0013821, OMIM 614609.
Hereditary cancer-predisposing syndrome. Also called: Hereditary Cancer Syndrome; Hereditary neoplastic syndrome; Neoplastic Syndromes, Hereditary; Tumor predisposition. Identifiers: Orphanet 140162, MedGen C0027672, MeSH D009386, MONDO:0015356.
Rhabdoid tumor predisposition syndrome 2 (RTPS2). Identifiers: Orphanet 231108, Orphanet 69077, MedGen C2750074, MONDO:0013224, OMIM 613325.

Allele frequency attached by ClinVar (database versions not stated): gnomAD exomes 0.00002 and below 0.00001; ExAC 0.00001.
gnomAD v4.1: 7 of 1,614,122 alleles (0.00043%); highest among the groups gnomAD compares: East Asian, 0.0022%; no homozygotes.

Submissions (5):

Myriad Genetics, Inc.
Classification: Benign for Rhabdoid tumor predisposition syndrome 2. Last evaluated: 2026-07-23. Review status: criteria provided, single submitter. Criteria: Myriad Autosomal Dominant, Autosomal Recessive and X-Linked Classification Criteria (2023). Collection method: clinical testing. Allele origin: unknown.
Comment: This variant is considered benign. This variant is a silent/synonymous amino acid change and it is not expected to impact splicing.

Labcorp Genetics (formerly Invitae), Labcorp
Classification: Likely benign for Rhabdoid tumor predisposition syndrome 2. Last evaluated: 2025-10-08. Review status: criteria provided, single submitter. Criteria: Invitae Variant Classification Sherloc (09022015). Collection method: clinical testing. Allele origin: germline.

Genome-Nilou Lab
Classification: Likely benign for Intellectual disability, autosomal dominant 16. Last evaluated: 2021-07-15. Review status: criteria provided, single submitter. Criteria: ACMG Guidelines, 2015. Collection method: clinical testing. Allele origin: germline. Affected: no.

Ambry Genetics
Classification: Likely benign for Hereditary cancer-predisposing syndrome. Last evaluated: 2019-04-03. Review status: criteria provided, single submitter. Criteria: Ambry Variant Classification Scheme 2023. Collection method: clinical testing. Allele origin: germline.

Genetic Services Laboratory, University of Chicago
Classification: Uncertain significance. Last evaluated: 2016-11-08. Review status: criteria provided, single submitter. Criteria: ACMG Guidelines, 2015. Collection method: clinical testing. Allele origin: germline. Affected: no.

NM_003072.5(SMARCA4):c.4593C>T (p.Leu1531=)

Gene: SMARCA4 (SWI/SNF related BAF chromatin remodeling complex subunit ATPase 4; plus strand). Cytogenetic location: 19p13.2.
Variant type: single nucleotide variant.
Coding change: c.4593C>T on transcript NM_003072.5 (MANE Select); coding-DNA position 4593, C replaced by T.
Protein change: p.Leu1531=; no amino-acid change (leucine 1531 retained).
Molecular consequence: synonymous variant. On other transcripts: non-coding transcript variant (1).
Genome position (GRCh38, 1-based): chr19:11,058,847, C>T. VCF-style: chr19-11058847-C-T. GRCh37 (hg19) VCF-style: chr19-11169523-C-T.
Other names: c.4593C>T, p.Leu1531= (NM_001128844.3); c.4503C>T, p.Leu1501= (NM_001128845.2); c.4500C>T, p.Leu1500= (NM_001128846.2); c.4494C>T, p.Leu1498= (NM_001128847.4, NM_001374457.1); c.4491C>T, p.Leu1497= (NM_001128848.2); c.4689C>T, p.Leu1563= (NM_001128849.3, NM_001387283.1).
Identifiers: ClinVar variation 436808 (VCV000436808.22), dbSNP rs757189400, ClinGen allele CA9204801.